The following is an entry in ClinVar:

ClinVar aggregate classification (germline): Uncertain significance (1 of 4 stars; one submission).

Submission:

Ambry Genetics
Classification: Uncertain significance. Last evaluated: 2025-02-13. Review status: criteria provided, single submitter. Criteria: Ambry Variant Classification Scheme 2023. Collection method: clinical testing. Allele origin: germline.
Comment: The p.L402F variant (also known as c.1206A>C), located in coding exon 12 of the SRP72 gene, results from an A to C substitution at nucleotide position 1206. The leucine at codon 402 is replaced by phenylalanine, an amino acid with highly similar properties. This amino acid position is conserved. In addition, this alteration is predicted to be tolerated by in silico analysis. Based on the available evidence, the clinical significance of this variant remains unclear.

NM_006947.4(SRP72):c.1206A>C (p.Leu402Phe)

Gene: SRP72 (signal recognition particle 72; plus strand). Cytogenetic location: 4q12.
Variant type: single nucleotide variant.
Coding change: c.1206A>C on transcript NM_006947.4 (MANE Select); coding-DNA position 1206, A replaced by C.
Protein change: p.Leu402Phe; replaces leucine 402 with phenylalanine.
Molecular consequence: missense variant. On other transcripts: non-coding transcript variant (1).
Genome position (GRCh38, 1-based): chr4:56,487,995, A>C. VCF-style: chr4-56487995-A-C. GRCh37 (hg19) VCF-style: chr4-57354161-A-C.
Other names: c.1023A>C, p.Leu341Phe (NM_001267722.2); short protein forms L341F, L402F.
Identifiers: ClinVar variation 3801486 (VCV003801486.1).